The following is an entry in ClinVar:

ClinVar aggregate classification (germline): Conflicting classifications of pathogenicity. Review status: criteria provided, conflicting classifications (1 of 4 stars). 7 submissions from 7 submitters: Uncertain significance (2); Likely benign (4). 1 of the submissions does not count toward it. Last evaluated 2026-01-18.

Conditions:
AP4M1-related disorder. Also called: AP4M1-related condition.
Hereditary spastic paraplegia. Also called: Familial spastic paraparesis. Identifiers: Orphanet 685, MedGen C0037773, MONDO:0019064. Disease mechanism: loss of function.
Hereditary spastic paraplegia 50 (SPG50). Also called: Spastic paraplegia 50, autosomal recessive. Identifiers: Orphanet 280763, MedGen C2752008, MONDO:0013048, OMIM 612936.

Allele frequency attached by ClinVar (database versions not stated): ESP Exome Variant Server 0.00031; TOPMed 0.00049; gnomAD 0.00053 and 0.00062; 1000 Genomes Project 0.00060; gnomAD exomes 0.00060 and 0.00074; ExAC 0.00073; 1000 Genomes Project 30x 0.00078.
gnomAD v4.1: 994 of 1,614,142 alleles (0.062%); highest among the groups gnomAD compares: Middle Eastern, 1.8%; 10 homozygotes.

Submissions (7):

Labcorp Genetics (formerly Invitae), Labcorp
Classification: Likely benign for Hereditary spastic paraplegia 50. Last evaluated: 2026-01-18. Review status: criteria provided, single submitter. Criteria: Invitae Variant Classification Sherloc (09022015). Collection method: clinical testing. Allele origin: germline.

Blueprint Genetics
Classification: Likely benign. Last evaluated: 2024-10-24. Review status: criteria provided, single submitter. Criteria: ACMG Guidelines, 2015. Collection method: clinical testing. Allele origin: germline.

CeGaT Center for Human Genetics Tuebingen
Classification: Likely benign. Last evaluated: 2023-04-01. Review status: criteria provided, single submitter. Criteria: CeGaT Center For Human Genetics Tuebingen Variant Classification Criteria Version 2. Collection method: clinical testing. Allele origin: germline. Affected: yes. Observed: 5 variant alleles.
Comment: AP4M1: BP4, BP7

Genome Diagnostics Laboratory, The Hospital for Sick Children
Classification: Uncertain significance for Hereditary spastic paraplegia. Last evaluated: 2022-01-28. Review status: criteria provided, single submitter. Criteria: ACMG Guidelines, 2015. Collection method: clinical testing. Allele origin: germline. Affected: yes.

Genetic Services Laboratory, University of Chicago
Classification: Likely benign. Last evaluated: 2015-11-19. Review status: criteria provided, single submitter. Criteria: ACMG Guidelines, 2015. Collection method: clinical testing. Allele origin: germline. Affected: no.

Genomic Diagnostic Laboratory, Division of Genomic Diagnostics, Children's Hospital of Philadelphia
Classification: Uncertain significance. Last evaluated: 2015-07-17. Review status: criteria provided, single submitter. Criteria: DGD Variant Analysis Guidelines. Collection method: clinical testing. Allele origin: unknown.

PreventionGenetics, part of Exact Sciences
Classification: Likely benign for AP4M1-related condition. Last evaluated: 2021-02-11. Review status: no assertion criteria provided. Collection method: clinical testing. Allele origin: germline. Not counted in ClinVar's aggregate classification.
Comment: This variant is classified as likely benign based on ACMG/AMP sequence variant interpretation guidelines (Richards et al. 2015 PMID: 25741868, with internal and published modifications).

NM_004722.4(AP4M1):c.930G>A (p.Arg310=)

Gene: AP4M1 (adaptor related protein complex 4 subunit mu 1; plus strand). Cytogenetic location: 7q22.1.
Variant type: single nucleotide variant.
Coding change: c.930G>A on transcript NM_004722.4 (MANE Select); coding-DNA position 930, G replaced by A.
Protein change: p.Arg310=; no amino-acid change (arginine 310 retained).
Molecular consequence: synonymous variant.
Genome position (GRCh38, 1-based): chr7:100,105,959, G>A. VCF-style: chr7-100105959-G-A. GRCh37 (hg19) VCF-style: chr7-99703582-G-A.
Other names: c.951G>A, p.Arg317= (NM_001363671.2).
Identifiers: ClinVar variation 218652 (VCV000218652.50), dbSNP rs141754568, ClinGen allele CA249229.